The following is an entry in ClinVar:

NM_001852.4(COL9A2):c.1655T>C (p.Val552Ala)

Gene: COL9A2 (collagen type IX alpha 2 chain; minus strand). Cytogenetic location: 1p34.2.
Variant type: single nucleotide variant.
Coding change: c.1655T>C on transcript NM_001852.4 (MANE Select); coding-DNA position 1655, T replaced by C.
Protein change: p.Val552Ala; replaces valine 552 with alanine.
Molecular consequence: missense variant.
Genome position (GRCh38, 1-based): chr1:40,302,758, A>G on the plus strand (T>C on the coding strand, the complement: COL9A2 is on the minus strand). VCF-style: chr1-40302758-A-G. GRCh37 (hg19) VCF-style: chr1-40768430-A-G.
Other names: short protein forms V552A.
Identifiers: ClinVar variation 1308297 (VCV001308297.6), dbSNP rs1569700165, ClinGen allele CA339876697.

ClinVar aggregate classification (germline): Uncertain significance. Review status: criteria provided, multiple submitters, no conflicts (2 of 4 stars). 2 submissions from 2 submitters: Uncertain significance (2). Last evaluated 2025-04-11.

gnomAD v4.1: 26 of 1,309,638 alleles (0.002%); highest among the groups gnomAD compares: Non-Finnish European, 0.0026%; no homozygotes.

Submissions (2):

Labcorp Genetics (formerly Invitae), Labcorp
Classification: Uncertain significance. Last evaluated: 2025-04-11. Review status: criteria provided, single submitter. Criteria: Invitae Variant Classification Sherloc (09022015). Collection method: clinical testing. Allele origin: germline.
Comment: This sequence change replaces valine, which is neutral and non-polar, with alanine, which is neutral and non-polar, at codon 552 of the COL9A2 protein (p.Val552Ala). This variant is not present in population databases (gnomAD no frequency). This variant has not been reported in the literature in individuals affected with COL9A2-related conditions. ClinVar contains an entry for this variant (Variation ID: 1308297). Invitae Evidence Modeling of protein sequence and biophysical properties (such as structural, functional, and spatial information, amino acid conservation, physicochemical variation, residue mobility, and thermodynamic stability) indicates that this missense variant is not expected to disrupt COL9A2 protein function with a negative predictive value of 95%. In summary, the available evidence is currently insufficient to determine the role of this variant in disease. Therefore, it has been classified as a Variant of Uncertain Significance.

GeneDx
Classification: Uncertain significance. Last evaluated: 2019-03-22. Review status: criteria provided, single submitter. Criteria: GeneDx Variant Classification Process June 2021. Collection method: clinical testing. Allele origin: germline. Affected: yes.
Comment: Not observed in large population cohorts (Lek et al., 2016); In silico analysis, which includes protein predictors and evolutionary conservation, supports that this variant does not alter protein structure/function; Has not been previously published as pathogenic or benign to our knowledge